The following is an entry in ClinVar:

NM_005633.4(SOS1):c.3559C>T (p.Pro1187Ser)

Gene: SOS1 (SOS Ras/Rac guanine nucleotide exchange factor 1; minus strand). Cytogenetic location: 2p22.1.
Variant type: single nucleotide variant.
Coding change: c.3559C>T on transcript NM_005633.4 (MANE Select); coding-DNA position 3559, C replaced by T.
Protein change: p.Pro1187Ser; replaces proline 1187 with serine.
Molecular consequence: missense variant.
Genome position (GRCh38, 1-based): chr2:38,986,267, G>A on the plus strand (C>T on the coding strand, the complement: SOS1 is on the minus strand). VCF-style: chr2-38986267-G-A. GRCh37 (hg19) VCF-style: chr2-39213408-G-A.
Other names: c.3538C>T, p.Pro1180Ser (NM_001382394.1); c.3514C>T, p.Pro1172Ser (NM_001382395.1); short protein forms P1187S, P1172S, P1180S.
Identifiers: ClinVar variation 1975639 (VCV001975639.5), dbSNP rs2528872747, ClinGen allele CA346362885.
Genomic context (GRCh38, chr2:38,986,267, plus strand): 5'-GGTCTGAGATAGAGGTCCGGTCTGATATTGAATATCGTGGTGAATAGGCTTTTGATGTGG[G>A]TTGCCTAGGAGGAATGGCTGGGGGACTGTCCAAATGCTTAGACATAATCTAACAAATGAA-3'
Protein context (NP_005624.2, residues 1177-1197): DSPPAIPPRQ[Pro1187Ser]TSKAYSPRYS

ClinVar aggregate classification (germline): Uncertain significance (1 of 4 stars; one submission).

Conditions:
RASopathy. Also called: rasopathies; Noonan spectrum disorder. Identifiers: Orphanet 536391, MedGen C5555857, MONDO:0021060.

Allele frequency attached by ClinVar (database versions not stated): gnomAD exomes below 0.00001.
gnomAD v4.1: 1 of 1,613,600 alleles (0.000062%); highest among the groups gnomAD compares: Non-Finnish European, 0.000085%; no homozygotes.

Submission:

Labcorp Genetics (formerly Invitae), Labcorp
Classification: Uncertain significance for RASopathy. Last evaluated: 2022-09-28. Review status: criteria provided, single submitter. Criteria: Invitae Variant Classification Sherloc (09022015). Collection method: clinical testing. Allele origin: germline.
Comment: In summary, the available evidence is currently insufficient to determine the role of this variant in disease. Therefore, it has been classified as a Variant of Uncertain Significance. This variant is not present in population databases (gnomAD no frequency). This variant has not been reported in the literature in individuals affected with SOS1-related conditions. Advanced modeling of protein sequence and biophysical properties (such as structural, functional, and spatial information, amino acid conservation, physicochemical variation, residue mobility, and thermodynamic stability) performed at Invitae indicates that this missense variant is not expected to disrupt SOS1 protein function. This sequence change replaces proline, which is neutral and non-polar, with serine, which is neutral and polar, at codon 1187 of the SOS1 protein (p.Pro1187Ser).